The following is an entry in ClinVar:

ClinVar aggregate classification (germline): Uncertain significance. Review status: criteria provided, multiple submitters, no conflicts (2 of 4 stars). 3 submissions from 3 submitters: Uncertain significance (3). Last evaluated 2025-02-17.

Allele frequency attached by ClinVar (database versions not stated): gnomAD exomes 0.00001; TOPMed 0.00001; ExAC 0.00002; gnomAD 0.00002.
gnomAD v4.1: 10 of 1,611,106 alleles (0.00062%); highest among the groups gnomAD compares: African/African-American, 0.0013%; no homozygotes.

Submissions (3):

Labcorp Genetics (formerly Invitae), Labcorp
Classification: Uncertain significance. Last evaluated: 2025-02-17. Review status: criteria provided, single submitter. Criteria: Invitae Variant Classification Sherloc (09022015). Collection method: clinical testing. Allele origin: germline.
Comment: This sequence change falls in intron 37 of the COL11A2 gene. It does not directly change the encoded amino acid sequence of the COL11A2 protein. It affects a nucleotide within the consensus splice site. This variant is present in population databases (rs781684563, gnomAD 0.004%). This variant has not been reported in the literature in individuals affected with COL11A2-related conditions. ClinVar contains an entry for this variant (Variation ID: 1383646). Variants that disrupt the consensus splice site are a relatively common cause of aberrant splicing (PMID: 17576681, 9536098). Algorithms developed to predict the effect of sequence changes on RNA splicing suggest that this variant may disrupt the consensus splice site. In summary, the available evidence is currently insufficient to determine the role of this variant in disease. Therefore, it has been classified as a Variant of Uncertain Significance.

GeneDx
Classification: Uncertain significance. Last evaluated: 2024-02-21. Review status: criteria provided, single submitter. Criteria: GeneDx Variant Classification Process June 2021. Collection method: clinical testing. Allele origin: germline. Affected: yes.
Comment: Has not been previously published as pathogenic or benign to our knowledge; Not observed at significant frequency in large population cohorts (gnomAD); In silico analysis supports that this variant does not alter splicing

Blueprint Genetics
Classification: Uncertain significance. Last evaluated: 2022-03-16. Review status: criteria provided, single submitter. Criteria: ACMG Guidelines, 2015. Collection method: clinical testing. Allele origin: germline.

Literature cited by the submitters: PubMed 17576681 (cited by Labcorp Genetics (formerly Invitae), Labcorp); PubMed 9536098 (cited by Labcorp Genetics (formerly Invitae), Labcorp).

NM_080680.3(COL11A2):c.2736+6T>A

Gene: COL11A2 (collagen type XI alpha 2 chain; minus strand). Cytogenetic location: 6p21.32.
Variant type: single nucleotide variant.
Coding change: c.2736+6T>A on transcript NM_080680.3 (MANE Select); 6 bases into the intron after coding-DNA position 2736, T replaced by A.
Molecular consequence: intron variant.
Genome position (GRCh38, 1-based): chr6:33,173,342, A>T on the plus strand (T>A on the coding strand, the complement: COL11A2 is on the minus strand). VCF-style: chr6-33173342-A-T. GRCh37 (hg19) VCF-style: chr6-33141119-A-T.
Other names: c.2415+6T>A (NM_080679.3); c.2478+6T>A (NM_080681.3).
Identifiers: ClinVar variation 1383646 (VCV001383646.9), dbSNP rs781684563, ClinGen allele CA3750753.